The following is an entry in ClinVar:

ClinVar aggregate classification (germline): Uncertain significance (1 of 4 stars; one submission).

Submission:

Labcorp Genetics (formerly Invitae), Labcorp
Classification: Uncertain significance. Last evaluated: 2021-03-26. Review status: criteria provided, single submitter. Criteria: Invitae Variant Classification Sherloc (09022015). Collection method: clinical testing. Allele origin: germline.
Comment: This variant has not been reported in the literature in individuals with AP3B2-related conditions. This variant is not present in population databases (ExAC no frequency). This sequence change creates a premature translational stop signal (p.Asp1075Metfs*2) in the AP3B2 gene. While this is not anticipated to result in nonsense mediated decay, it is expected to disrupt the last 8 amino acid(s) of the AP3B2 protein. Experimental studies and prediction algorithms are not available or were not evaluated, and the functional significance of this variant is currently unknown. In summary, the available evidence is currently insufficient to determine the role of this variant in disease. Therefore, it has been classified as a Variant of Uncertain Significance.

NM_001278512.2(AP3B2):c.3280del (p.Asp1094fs)

Genes: AP3B2 (adaptor related protein complex 3 subunit beta 2; minus strand), CPEB1-AS1 (CPEB1 antisense RNA 1; plus strand). Cytogenetic location: 15q25.2.
Variant type: Deletion.
Coding change: c.3280del on transcript NM_001278512.2 (MANE Select); coding-DNA position 3280, one base deleted (G; older notation c.3280delG).
Protein change: p.Asp1094fs; shifts the reading frame from aspartic acid 1094.
Molecular consequence: frameshift variant.
Genome position (GRCh38, 1-based): chr15:82,659,586, C deleted on the plus strand (G on the coding strand, the reverse complement: AP3B2 is on the minus strand); the first of 2 consecutive C bases (chr15:82,659,586-82,659,587); deleting either gives the same sequence. VCF-style (leftmost placement, unchanged base first): chr15-82659585-TC-T. GRCh37 (hg19) VCF-style: chr15-83328337-TC-T.
Other names: c.3127del, p.Asp1043fs (NM_001278511.2); c.412del, p.Asp138fs (NM_001348441.2); c.3223del, p.Asp1075fs (NM_004644.5); short protein forms D138fs, D1094fs, D1043fs, D1075fs.
Identifiers: ClinVar variation 1411518 (VCV001411518.6), dbSNP rs2151425004, ClinGen allele CA2573151225.